The following is an entry in ClinVar:

NM_003737.4(DCHS1):c.5498C>T (p.Pro1833Leu)

Gene: DCHS1 (dachsous cadherin-related 1; minus strand). Cytogenetic location: 11p15.4.
Variant type: single nucleotide variant.
Coding change: c.5498C>T on transcript NM_003737.4 (MANE Select); coding-DNA position 5498, C replaced by T.
Protein change: p.Pro1833Leu; replaces proline 1833 with leucine.
Molecular consequence: missense variant.
Genome position (GRCh38, 1-based): chr11:6,627,541, G>A on the plus strand (C>T on the coding strand, the complement: DCHS1 is on the minus strand). VCF-style: chr11-6627541-G-A. GRCh37 (hg19) VCF-style: chr11-6648772-G-A.
Other names: short protein forms P1833L.
Identifiers: ClinVar variation 1918551 (VCV001918551.5), dbSNP rs1231885514, ClinGen allele CA379394646.

ClinVar aggregate classification (germline): Uncertain significance (1 of 4 stars; one submission).

Allele frequency attached by ClinVar (database versions not stated): gnomAD 0.00001; gnomAD exomes 0.00001.
gnomAD v4.1: 16 of 1,612,668 alleles (0.00099%); highest among the groups gnomAD compares: Non-Finnish European, 0.0014%; no homozygotes.

Submission:

Labcorp Genetics (formerly Invitae), Labcorp
Classification: Uncertain significance. Last evaluated: 2024-11-19. Review status: criteria provided, single submitter. Criteria: Invitae Variant Classification Sherloc (09022015). Collection method: clinical testing. Allele origin: germline.
Comment: This sequence change replaces proline, which is neutral and non-polar, with leucine, which is neutral and non-polar, at codon 1833 of the DCHS1 protein (p.Pro1833Leu). This variant is present in population databases (no rsID available, gnomAD 0.0009%). This variant has not been reported in the literature in individuals affected with DCHS1-related conditions. ClinVar contains an entry for this variant (Variation ID: 1918551). An algorithm developed to predict the effect of missense changes on protein structure and function (PolyPhen-2) suggests that this variant is likely to be disruptive. In summary, the available evidence is currently insufficient to determine the role of this variant in disease. Therefore, it has been classified as a Variant of Uncertain Significance.